The following is an entry in ClinVar:

ClinVar aggregate classification (germline): Uncertain significance (1 of 4 stars; one submission).

Submission:

Ambry Genetics
Classification: Uncertain significance. Last evaluated: 2024-04-06. Review status: criteria provided, single submitter. Criteria: Ambry Variant Classification Scheme 2023. Collection method: clinical testing. Allele origin: germline.
Comment: The p.S1365T variant (also known as c.4094G>C), located in coding exon 17 of the NPAT gene, results from a G to C substitution at nucleotide position 4094. The serine at codon 1365 is replaced by threonine, an amino acid with similar properties. This amino acid position is conserved. In addition, this alteration is predicted to be tolerated by in silico analysis. Since supporting evidence is limited at this time, the clinical significance of this alteration remains unclear.

NM_002519.3(NPAT):c.4094G>C (p.Ser1365Thr)

Gene: NPAT (nuclear protein, coactivator of histone transcription; minus strand). Cytogenetic location: 11q22.3.
Variant type: single nucleotide variant.
Coding change: c.4094G>C on transcript NM_002519.3 (MANE Select); coding-DNA position 4094, G replaced by C.
Protein change: p.Ser1365Thr; replaces serine 1365 with threonine.
Molecular consequence: missense variant.
Genome position (GRCh38, 1-based): chr11:108,160,992, C>G on the plus strand (G>C on the coding strand, the complement: NPAT is on the minus strand). VCF-style: chr11-108160992-C-G. GRCh37 (hg19) VCF-style: chr11-108031719-C-G.
Other names: c.4115G>C, p.Ser1372Thr (NM_001321307.1); short protein forms S1372T, S1365T.
Identifiers: ClinVar variation 1737770 (VCV001737770.3), dbSNP rs1241035942, ClinGen allele CA382509383.
Genomic context (GRCh38, chr11:108,160,992, plus strand): 5'-GAAGGACGAGAGTTTCGCTCACGTTCATCTAATTCCTCAATTTTCCGCTTTTTTGTGGTG[C>G]TCCTTGAAGATGCTCTAAACTGTTGTGTGTTATCTTTCAGAGGAGTTGCTGAAGTAGTCC-3'
Protein context (NP_002510.2, residues 1355-1375): NTQQFRASSR[Ser1365Thr]TTKKRKIEEL